The following is an entry in ClinVar:

NM_000044.6(AR):c.175C>T (p.Gln59Ter)

Genes: AR (androgen receptor; plus strand), LOC109504725 (androgen receptor repeat instability region; plus strand). Cytogenetic location: Xq12.
Variant type: single nucleotide variant.
Coding change: c.175C>T on transcript NM_000044.6 (MANE Select); coding-DNA position 175, C replaced by T.
Protein change: p.Gln59Ter; replaces glutamine 59 with a stop codon.
Molecular consequence: nonsense. On other transcripts: 5 prime UTR variant (1).
Genome position (GRCh38, 1-based): chrX:67,545,321, C>T. VCF-style: chrX-67545321-C-T. GRCh37 (hg19) VCF-style: chrX-66765163-C-T.
Other names: c.-1609C>T (NM_001011645.3); c.175C>T, p.Gln59Ter (NM_001348061.1, NM_001348063.1, NM_001348064.1); c.175C>T (NM_000044.2); short protein forms Q59*.
Identifiers: ClinVar variation 1298367 (VCV001298367.8), dbSNP rs1929657778, ClinGen allele CA413423947.

ClinVar aggregate classification (germline): Pathogenic. Review status: criteria provided, multiple submitters, no conflicts (2 of 4 stars). 2 submissions from 2 submitters: Pathogenic (2). Last evaluated 2025-04-10.

Conditions:
Androgen resistance syndrome (AIS). Also called: ANDROGEN RECEPTOR DEFICIENCY; DIHYDROTESTOSTERONE RECEPTOR DEFICIENCY; Androgen insensitivity; TESTICULAR FEMINIZATION SYNDROME; Androgen insensitivity syndrome; Androgen insensitivity, complete. Identifiers: Orphanet 754, Orphanet 99429, MedGen C0039585, MONDO:0019154, OMIM 300068. Disease mechanism: loss of function.

Submissions (2):

GeneDx
Classification: Pathogenic. Last evaluated: 2025-04-10. Review status: criteria provided, single submitter. Criteria: GeneDx Variant Classification Process June 2021. Collection method: clinical testing. Allele origin: germline. Affected: yes.
Comment: Nonsense variant predicted to result in protein truncation or nonsense mediated decay in a gene for which loss of function is a known mechanism of disease; Not observed at significant frequency in large population cohorts (gnomAD); This variant is associated with the following publications: (PMID: 16283146, 36617173, 32229106)

Dept. of Cytogenetics, ICMR- National Institute of Immunohaematology
Classification: Pathogenic for Androgen resistance syndrome. Review status: criteria provided, single submitter. Criteria: ACMG Guidelines, 2015. Collection method: clinical testing. Allele origin: germline. Affected: yes. Observed: 1 hemizygote.